The following is an entry in ClinVar:

ClinVar aggregate classification (germline): Uncertain significance. Review status: criteria provided, multiple submitters, no conflicts (2 of 4 stars). 2 submissions from 2 submitters: Uncertain significance (2). Last evaluated 2025-03-18.

Allele frequency attached by ClinVar (database versions not stated): TOPMed 0.00003; ExAC 0.00002; ESP Exome Variant Server 0.00008; gnomAD 0.00002.
gnomAD v4.1: 39 of 1,611,846 alleles (0.0024%); highest among the groups gnomAD compares: African/African-American, 0.004%; no homozygotes.

Submissions (2):

Labcorp Genetics (formerly Invitae), Labcorp
Classification: Uncertain significance. Last evaluated: 2025-03-18. Review status: criteria provided, single submitter. Criteria: Invitae Variant Classification Sherloc (09022015). Collection method: clinical testing. Allele origin: germline.
Comment: This sequence change replaces arginine, which is basic and polar, with histidine, which is basic and polar, at codon 4430 of the HMCN1 protein (p.Arg4430His). The frequency data for this variant in the population databases is considered unreliable, as metrics indicate poor data quality at this position in the gnomAD database. This variant has not been reported in the literature in individuals affected with HMCN1-related conditions. ClinVar contains an entry for this variant (Variation ID: 2257581). An algorithm developed to predict the effect of missense changes on protein structure and function (PolyPhen-2) suggests that this variant is likely to be disruptive. In summary, the available evidence is currently insufficient to determine the role of this variant in disease. Therefore, it has been classified as a Variant of Uncertain Significance.

Ambry Genetics
Classification: Uncertain significance. Last evaluated: 2021-10-27. Review status: criteria provided, single submitter. Criteria: Ambry Variant Classification Scheme 2023. Collection method: clinical testing. Allele origin: germline.

NM_031935.3(HMCN1):c.13289G>A (p.Arg4430His)

Gene: HMCN1 (hemicentin 1; plus strand). Cytogenetic location: 1q31.1.
Variant type: single nucleotide variant.
Coding change: c.13289G>A on transcript NM_031935.3 (MANE Select); coding-DNA position 13289, G replaced by A.
Protein change: p.Arg4430His; replaces arginine 4430 with histidine.
Molecular consequence: missense variant.
Genome position (GRCh38, 1-based): chr1:186,132,386, G>A. VCF-style: chr1-186132386-G-A. GRCh37 (hg19) VCF-style: chr1-186101518-G-A.
Other names: short protein forms R4430H.
Identifiers: ClinVar variation 2257581 (VCV002257581.5), dbSNP rs373568706, ClinGen allele CA1294621.